The following is an entry in ClinVar:

ClinVar aggregate classification (germline): Uncertain significance. Review status: criteria provided, single submitter (1 of 4 stars). 2 submissions from 2 submitters: Uncertain significance (1). 1 of the submissions does not count toward it. Last evaluated 2021-08-28.

Conditions:
Tay-Sachs disease (TSD). Also called: HEXA DEFICIENCY; Hexosaminidase A Deficiency; GM2 gangliosidosis, type 1; Hexosaminidase alpha-subunit deficiency (variant B); Sphingolipidosis, Tay-Sachs; HEXA Disorders. Identifiers: Orphanet 845, MedGen C0039373, MONDO:0010100, OMIM 272800.

Allele frequency attached by ClinVar (database versions not stated): TOPMed below 0.00001; gnomAD 0.00001.
gnomAD v4.1: 3 of 1,614,038 alleles (0.00019%); highest among the groups gnomAD compares: Non-Finnish European, 0.00025%; no homozygotes.

Submissions (2):

Labcorp Genetics (formerly Invitae), Labcorp
Classification: Uncertain significance for Tay-Sachs disease. Last evaluated: 2021-08-28. Review status: criteria provided, single submitter. Criteria: Invitae Variant Classification Sherloc (09022015). Collection method: clinical testing. Allele origin: germline.
Comment: This sequence change replaces arginine with tryptophan at codon 19 of the HEXA protein (p.Arg19Trp). The arginine residue is weakly conserved and there is a moderate physicochemical difference between arginine and tryptophan. This variant is not present in population databases (ExAC no frequency). This variant has not been reported in the literature in individuals affected with HEXA-related conditions. Algorithms developed to predict the effect of missense changes on protein structure and function output the following: SIFT: "Deleterious"; PolyPhen-2: "Not Available"; Align-GVGD: "Class C0". The tryptophan amino acid residue is found in multiple mammalian species, which suggests that this missense change does not adversely affect protein function. In summary, the available evidence is currently insufficient to determine the role of this variant in disease. Therefore, it has been classified as a Variant of Uncertain Significance.

Natera, Inc.
Classification: Uncertain significance for Tay-Sachs disease. Last evaluated: 2020-08-31. Review status: no assertion criteria provided. Collection method: clinical testing. Allele origin: germline. Not counted in ClinVar's aggregate classification.

NM_000520.6(HEXA):c.55C>T (p.Arg19Trp)

Gene: HEXA (hexosaminidase subunit alpha; minus strand). Cytogenetic location: 15q23.
Variant type: single nucleotide variant.
Coding change: c.55C>T on transcript NM_000520.6 (MANE Select); coding-DNA position 55, C replaced by T.
Protein change: p.Arg19Trp; replaces arginine 19 with tryptophan.
Molecular consequence: missense variant. On other transcripts: non-coding transcript variant (1).
Genome position (GRCh38, 1-based): chr15:72,375,918, G>A on the plus strand (C>T on the coding strand, the complement: HEXA is on the minus strand). VCF-style: chr15-72375918-G-A. GRCh37 (hg19) VCF-style: chr15-72668259-G-A.
Other names: c.55C>T, p.Arg19Trp (NM_001318825.2); short protein forms R19W.
Identifiers: ClinVar variation 1004843 (VCV001004843.6), dbSNP rs1166889033, ClinGen allele CA393070716.